The following is an entry in ClinVar:

ClinVar aggregate classification (germline): Uncertain significance (1 of 4 stars; one submission).

Submission:

Dasa
Classification: Uncertain significance. Last evaluated: 2025-03-03. Review status: criteria provided, single submitter. Criteria: DASA Assertion Criteria. Collection method: clinical testing. Allele origin: germline.
Comment: NM_001318852.2(MAPK8IP3):c.1774C>T (p.Arg592Cys) is a missense variant that results in the substitution of arginine with cysteine. This variant is absent from population databases. Computational prediction algorithms are consistent with a benign effect. The currently available literature and clinical evidence are not sufficient to establish a definitive association between this variant and the reported condition. Therefore, this variant is classified as a variant of uncertain significance.

NM_001318852.2(MAPK8IP3):c.1774C>T (p.Arg592Cys)

Gene: MAPK8IP3 (mitogen-activated protein kinase 8 interacting protein 3; plus strand). Cytogenetic location: 16p13.3.
Variant type: single nucleotide variant.
Coding change: c.1774C>T on transcript NM_001318852.2 (MANE Select); coding-DNA position 1774, C replaced by T.
Protein change: p.Arg592Cys; replaces arginine 592 with cysteine.
Molecular consequence: missense variant.
Genome position (GRCh38, 1-based): chr16:1,762,882, C>T. VCF-style: chr16-1762882-C-T. GRCh37 (hg19) VCF-style: chr16-1812883-C-T.
Other names: c.1771C>T, p.Arg591Cys (NM_015133.5); c.1753C>T, p.Arg585Cys (NM_001040439.2); short protein forms R585C, R591C, R592C.
Identifiers: ClinVar variation 4886628 (VCV004886628.2).
Genomic context (GRCh38, chr16:1,762,882, plus strand): 5'-TGTGCCTCTGGCAGCTTCAGCCGCCTCTTCAGCTCTTCCTCCAGCCCCCCTCCGGCCAAG[C>T]GCCCCTATCCCTCGGTGAACATCCACTACAAGTCACCCACCACTGCCGGCTTCAGCCAGC-3'
Protein context (NP_001305781.1, residues 582-602): SSSSSPPPAK[Arg592Cys]PYPSVNIHYK